The following is an entry in ClinVar:

ClinVar aggregate classification (germline): Uncertain significance (1 of 4 stars; one submission).

Submission:

Labcorp Genetics (formerly Invitae), Labcorp
Classification: Uncertain significance. Last evaluated: 2025-08-29. Review status: criteria provided, single submitter. Criteria: Invitae Variant Classification Sherloc (09022015). Collection method: clinical testing. Allele origin: germline.
Comment: This sequence change replaces proline, which is neutral and non-polar, with serine, which is neutral and polar, at codon 756 of the SETBP1 protein (p.Pro756Ser). This variant is not present in population databases (gnomAD no frequency). This variant has not been reported in the literature in individuals affected with SETBP1-related conditions. ClinVar contains an entry for this variant (Variation ID: 1479250). Invitae Evidence Modeling of protein sequence and biophysical properties (such as structural, functional, and spatial information, amino acid conservation, physicochemical variation, residue mobility, and thermodynamic stability) indicates that this missense variant is not expected to disrupt SETBP1 protein function with a negative predictive value of 80%. In summary, the available evidence is currently insufficient to determine the role of this variant in disease. Therefore, it has been classified as a Variant of Uncertain Significance.

NM_015559.3(SETBP1):c.2266C>T (p.Pro756Ser)

Gene: SETBP1 (SET binding protein 1; plus strand). Cytogenetic location: 18q12.3.
Variant type: single nucleotide variant.
Coding change: c.2266C>T on transcript NM_015559.3 (MANE Select); coding-DNA position 2266, C replaced by T.
Protein change: p.Pro756Ser; replaces proline 756 with serine.
Molecular consequence: missense variant.
Genome position (GRCh38, 1-based): chr18:44,951,606, C>T. VCF-style: chr18-44951606-C-T. GRCh37 (hg19) VCF-style: chr18-42531571-C-T.
Other names: c.2266C>T, p.Pro756Ser (NM_001379141.1, NM_001379142.1); short protein forms P756S.
Identifiers: ClinVar variation 1479250 (VCV001479250.6), dbSNP rs2145103751, ClinGen allele CA402320759.
Genomic context (GRCh38, chr18:44,951,606, plus strand): 5'-CCACCCCCATCCGAAGAACCCAAAACAGCCATCAAGCACCCCAGGCCTGTTTCTAGCCAG[C>T]CGGATGTTCCAGCCGTGCCTTCCAACTTTCAGTCACTTGTGGCGTCTTCACCAGCAGCTA-3'
Protein context (NP_056374.2, residues 746-766): IKHPRPVSSQ[Pro756Ser]DVPAVPSNFQ